The following is an entry in ClinVar:

ClinVar aggregate classification (germline): Uncertain significance (1 of 4 stars; one submission).

Allele frequency attached by ClinVar (database versions not stated): gnomAD exomes 0.00001.

Submission:

Labcorp Genetics (formerly Invitae), Labcorp
Classification: Uncertain significance. Last evaluated: 2023-09-15. Review status: criteria provided, single submitter. Criteria: Invitae Variant Classification Sherloc (09022015). Collection method: clinical testing. Allele origin: germline.
Comment: This variant is present in population databases (no rsID available, gnomAD 0.007%). This sequence change replaces valine, which is neutral and non-polar, with leucine, which is neutral and non-polar, at codon 3616 of the KMT2A protein (p.Val3616Leu). This variant has not been reported in the literature in individuals affected with KMT2A-related conditions. ClinVar contains an entry for this variant (Variation ID: 1384728). Advanced modeling of protein sequence and biophysical properties (such as structural, functional, and spatial information, amino acid conservation, physicochemical variation, residue mobility, and thermodynamic stability) performed at Invitae indicates that this missense variant is not expected to disrupt KMT2A protein function. In summary, the available evidence is currently insufficient to determine the role of this variant in disease. Therefore, it has been classified as a Variant of Uncertain Significance.

NM_001197104.2(KMT2A):c.10846G>C (p.Val3616Leu)

Gene: KMT2A (lysine methyltransferase 2A; plus strand). Cytogenetic location: 11q23.3.
Variant type: single nucleotide variant.
Coding change: c.10846G>C on transcript NM_001197104.2 (MANE Select); coding-DNA position 10846, G replaced by C.
Protein change: p.Val3616Leu; replaces valine 3616 with leucine.
Molecular consequence: missense variant.
Genome position (GRCh38, 1-based): chr11:118,509,146, G>C. VCF-style: chr11-118509146-G-C. GRCh37 (hg19) VCF-style: chr11-118379861-G-C.
Other names: c.10837G>C, p.Val3613Leu (NM_005933.4); short protein forms V3616L, V3613L.
Identifiers: ClinVar variation 1384728 (VCV001384728.6), dbSNP rs1468774712, ClinGen allele CA382829429.